The following is an entry in ClinVar:

NM_000292.3(PHKA2):c.1856T>C (p.Leu619Pro)

Gene: PHKA2 (phosphorylase kinase regulatory subunit alpha 2; minus strand). Cytogenetic location: Xp22.13.
Variant type: single nucleotide variant.
Coding change: c.1856T>C on transcript NM_000292.3 (MANE Select); coding-DNA position 1856, T replaced by C.
Protein change: p.Leu619Pro; replaces leucine 619 with proline.
Molecular consequence: missense variant.
Genome position (GRCh38, 1-based): chrX:18,920,139, A>G on the plus strand (T>C on the coding strand, the complement: PHKA2 is on the minus strand). VCF-style: chrX-18920139-A-G. GRCh37 (hg19) VCF-style: chrX-18938257-A-G.
Other names: short protein forms L619P.
Identifiers: ClinVar variation 3778477 (VCV003778477.7).

ClinVar aggregate classification (germline): Uncertain significance (1 of 4 stars; one submission).

Submission:

CeGaT Center for Human Genetics Tuebingen
Classification: Uncertain significance. Last evaluated: 2026-03-01. Review status: criteria provided, single submitter. Criteria: CeGaT Center For Human Genetics Tuebingen Variant Classification Criteria Version 2. Collection method: clinical testing. Allele origin: germline. Affected: yes. Observed: 2 variant alleles.
Comment: PHKA2: PM2, PP3